The following is an entry in ClinVar:

NM_001378454.1(ALMS1):c.10120_10121del (p.Ser3374fs)

Gene: ALMS1 (ALMS1 centrosome and basal body associated protein; plus strand). Cytogenetic location: 2p13.1.
Variant type: Microsatellite.
Coding change: c.10120_10121del on transcript NM_001378454.1 (MANE Select); coding-DNA positions 10120 to 10121, 2 bases deleted (TC; older notation c.10120_10121delTC).
Protein change: p.Ser3374fs; shifts the reading frame from serine 3374.
Molecular consequence: frameshift variant.
Genome position (GRCh38, 1-based): chr2:73,557,261-73,557,262, TC deleted; deleting any 2 consecutive bases within chr2:73,557,258-73,557,262 gives the same sequence; the c. name uses the placement nearest the transcript's 3' end. VCF-style (leftmost placement, unchanged base first): chr2-73557257-CCT-C. GRCh37 (hg19) VCF-style: chr2-73784384-CCT-C.
Other names: c.10123_10124del, p.Ser3375fs (NM_015120.4); short protein forms S3375fs, S3374fs.
Identifiers: ClinVar variation 2752612 (VCV002752612.3), dbSNP rs771301027, ClinGen allele CA1714885.
Genomic context (GRCh38, chr2:73,557,257, plus strand): 5'-ATCAAATGATGTCGTTATTCCAGATGCCTCAGTTCAAGTGCTAATCACTGGGGATGAGAA[CCT>C]CTCAGACAAAAAACAGCAAGAGATTCACAGTACAAGGGCAGTGACTGAGGCTGCCCAGGC-3'

ClinVar aggregate classification (germline): Pathogenic (1 of 4 stars; one submission).

Conditions:
Alstrom syndrome (ALMS). Identifiers: Orphanet 64, MedGen C0268425, MONDO:0008763, OMIM 203800.

Submission:

Labcorp Genetics (formerly Invitae), Labcorp
Classification: Pathogenic for Alstrom syndrome. Last evaluated: 2023-05-31. Review status: criteria provided, single submitter. Criteria: Invitae Variant Classification Sherloc (09022015). Collection method: clinical testing. Allele origin: germline.
Comment: This sequence change creates a premature translational stop signal (p.Ser3375Argfs*15) in the ALMS1 gene. It is expected to result in an absent or disrupted protein product. Loss-of-function variants in ALMS1 are known to be pathogenic (PMID: 17594715). For these reasons, this variant has been classified as Pathogenic. This variant has not been reported in the literature in individuals affected with ALMS1-related conditions. This variant is present in population databases (rs771301027, gnomAD 0.006%).

Literature cited by the submitters: PubMed 17594715.